The following is an entry in ClinVar:

NM_002454.3(MTRR):c.268C>T (p.Arg90Trp)

Gene: MTRR (5-methyltetrahydrofolate-homocysteine methyltransferase reductase; plus strand). Cytogenetic location: 5p15.31.
Variant type: single nucleotide variant.
Coding change: c.268C>T on transcript NM_002454.3 (MANE Select); coding-DNA position 268, C replaced by T.
Protein change: p.Arg90Trp; replaces arginine 90 with tryptophan.
Molecular consequence: missense variant. On other transcripts: non-coding transcript variant (8).
Genome position (GRCh38, 1-based): chr5:7,873,511, C>T. VCF-style: chr5-7873511-C-T. GRCh37 (hg19) VCF-style: chr5-7873624-C-T.
Other names: c.268C>T, p.Arg90Trp (NM_001364440.2, NM_001364441.2, NM_001364442.2 and 1 more transcripts); short protein forms R90W.
Identifiers: ClinVar variation 904565 (VCV000904565.5), dbSNP rs773984668, ClinGen allele CA3195536.

ClinVar aggregate classification (germline): Uncertain significance. Review status: criteria provided, multiple submitters, no conflicts (2 of 4 stars). 2 submissions from 2 submitters: Uncertain significance (2). Last evaluated 2022-03-26.

Conditions:
Disorders of Intracellular Cobalamin Metabolism. Identifiers: MedGen CN043592.
Methylcobalamin deficiency type cblE (HMAE). Also called: HOMOCYSTINURIA-MEGALOBLASTIC ANEMIA, cblE COMPLEMENTATION TYPE; VITAMIN B12-RESPONSIVE HOMOCYSTINURIA, cblE TYPE; HOMOCYSTINURIA-MEGALOBLASTIC ANEMIA, cblE TYPE. Identifiers: Orphanet 2169, Orphanet 622, MedGen C1856057, MONDO:0009354, OMIM 236270.

Allele frequency attached by ClinVar (database versions not stated): TOPMed 0.00002; gnomAD 0.00003 and 0.00005; ExAC 0.00005; gnomAD exomes 0.00006.
gnomAD v4.1: 86 of 1,613,970 alleles (0.0053%); highest among the groups gnomAD compares: East Asian, 0.065%; no homozygotes.

Submissions (2):

Labcorp Genetics (formerly Invitae), Labcorp
Classification: Uncertain significance for Methylcobalamin deficiency type cblE. Last evaluated: 2022-03-26. Review status: criteria provided, single submitter. Criteria: Invitae Variant Classification Sherloc (09022015). Collection method: clinical testing. Allele origin: germline.
Comment: This sequence change replaces arginine, which is basic and polar, with tryptophan, which is neutral and slightly polar, at codon 90 of the MTRR protein (p.Arg90Trp). This variant is present in population databases (rs773984668, gnomAD 0.03%). This variant has not been reported in the literature in individuals affected with MTRR-related conditions. ClinVar contains an entry for this variant (Variation ID: 904565). Algorithms developed to predict the effect of missense changes on protein structure and function output the following: SIFT: "Tolerated"; PolyPhen-2: "Benign"; Align-GVGD: "Class C0". The tryptophan amino acid residue is found in multiple mammalian species, which suggests that this missense change does not adversely affect protein function. Algorithms developed to predict the effect of sequence changes on RNA splicing suggest that this variant may disrupt the consensus splice site. In summary, the available evidence is currently insufficient to determine the role of this variant in disease. Therefore, it has been classified as a Variant of Uncertain Significance.

Illumina Laboratory Services, Illumina
Classification: Uncertain significance for Disorders of Intracellular Cobalamin Metabolism. Last evaluated: 2018-01-12. Review status: criteria provided, single submitter. Criteria: ICSL Variant Classification Criteria 13 December 2019. Collection method: clinical testing. Allele origin: germline.